The following is an entry in ClinVar:

NM_002519.3(NPAT):c.3805C>T (p.Arg1269Trp)

Gene: NPAT (nuclear protein, coactivator of histone transcription; minus strand). Cytogenetic location: 11q22.3.
Variant type: single nucleotide variant.
Coding change: c.3805C>T on transcript NM_002519.3 (MANE Select); coding-DNA position 3805, C replaced by T.
Protein change: p.Arg1269Trp; replaces arginine 1269 with tryptophan.
Molecular consequence: missense variant.
Genome position (GRCh38, 1-based): chr11:108,161,281, G>A on the plus strand (C>T on the coding strand, the complement: NPAT is on the minus strand). VCF-style: chr11-108161281-G-A. GRCh37 (hg19) VCF-style: chr11-108032008-G-A.
Other names: c.3826C>T, p.Arg1276Trp (NM_001321307.1); short protein forms R1269W, R1276W.
Identifiers: ClinVar variation 1735103 (VCV001735103.4), dbSNP rs774211463, ClinGen allele CA6263519.

ClinVar aggregate classification (germline): Uncertain significance. Review status: criteria provided, multiple submitters, no conflicts (2 of 4 stars). 2 submissions from 2 submitters: Uncertain significance (2). Last evaluated 2025-12-15.

Allele frequency attached by ClinVar (database versions not stated): ExAC 0.00001; gnomAD 0.00001.
gnomAD v4.1: 13 of 1,613,994 alleles (0.00081%); highest among the groups gnomAD compares: African/African-American, 0.0027%; no homozygotes.

Submissions (2):

Labcorp Genetics (formerly Invitae), Labcorp
Classification: Uncertain significance. Last evaluated: 2025-12-15. Review status: criteria provided, single submitter. Criteria: Invitae Variant Classification Sherloc (09022015). Collection method: clinical testing. Allele origin: germline.
Comment: This sequence change replaces arginine, which is basic and polar, with tryptophan, which is neutral and slightly polar, at codon 1269 of the NPAT protein (p.Arg1269Trp). This variant is present in population databases (rs774211463, gnomAD 0.007%). This variant has not been reported in the literature in individuals affected with NPAT-related conditions. ClinVar contains an entry for this variant (Variation ID: 1735103). An algorithm developed to predict the effect of missense changes on protein structure and function (PolyPhen-2) suggests that this variant is likely to be disruptive. In summary, the available evidence is currently insufficient to determine the role of this variant in disease. Therefore, it has been classified as a Variant of Uncertain Significance.

Ambry Genetics
Classification: Uncertain significance. Last evaluated: 2024-11-09. Review status: criteria provided, single submitter. Criteria: Ambry Variant Classification Scheme 2023. Collection method: clinical testing. Allele origin: germline.